The following is an entry in ClinVar:

NM_198994.3(TGM6):c.1047C>A (p.Tyr349Ter)

Gene: TGM6 (transglutaminase 6; plus strand). Cytogenetic location: 20p13.
Variant type: single nucleotide variant.
Coding change: c.1047C>A on transcript NM_198994.3 (MANE Select); coding-DNA position 1047, C replaced by A.
Protein change: p.Tyr349Ter; replaces tyrosine 349 with a stop codon.
Molecular consequence: nonsense.
Genome position (GRCh38, 1-based): chr20:2,403,454, C>A. VCF-style: chr20-2403454-C-A. GRCh37 (hg19) VCF-style: chr20-2384100-C-A.
Other names: c.1047C>A, p.Tyr349Ter (NM_001254734.2); c.1047C>A (NM_198994.2); short protein forms Y349*.
Identifiers: ClinVar variation 2192858 (VCV002192858.2), dbSNP rs1202265564, ClinGen allele CA408012300.

ClinVar aggregate classification (germline): Uncertain significance. Review status: criteria provided, multiple submitters, no conflicts (2 of 4 stars). 2 submissions from 2 submitters: Uncertain significance (2). Last evaluated 2024-02-02.

Allele frequency attached by ClinVar (database versions not stated): gnomAD 0.00001; TOPMed 0.00001.
gnomAD v4.1: 2 of 1,614,056 alleles (0.00012%); highest among the groups gnomAD compares: Non-Finnish European, 0.000085%; no homozygotes.

Submissions (2):

Athena Diagnostics
Classification: Uncertain significance. Last evaluated: 2024-02-02. Review status: criteria provided, single submitter. Criteria: Athena Diagnostics Criteria. Collection method: clinical testing. Allele origin: unknown.

Labcorp Genetics (formerly Invitae), Labcorp
Classification: Uncertain significance. Last evaluated: 2022-08-16. Review status: criteria provided, single submitter. Criteria: Invitae Variant Classification Sherloc (09022015). Collection method: clinical testing. Allele origin: germline.
Comment: This sequence change creates a premature translational stop signal (p.Tyr349*) in the TGM6 gene. It is expected to result in an absent or disrupted protein product. However, the current clinical and genetic evidence is not sufficient to establish whether loss-of-function variants in TGM6 cause disease. This variant is not present in population databases (gnomAD no frequency). This variant has not been reported in the literature in individuals affected with TGM6-related conditions. Algorithms developed to predict the effect of sequence changes on RNA splicing suggest that this variant may disrupt the consensus splice site. In summary, the available evidence is currently insufficient to determine the role of this variant in disease. Therefore, it has been classified as a Variant of Uncertain Significance.